The following is an entry in ClinVar:

ClinVar aggregate classification (germline): Pathogenic/Likely pathogenic. Review status: criteria provided, multiple submitters, no conflicts (2 of 4 stars). 6 submissions from 6 submitters: Pathogenic (4); Likely pathogenic (2). Last evaluated 2025-07-30.

Conditions:
Cardiovascular phenotype. Identifiers: MedGen CN230736.
Long QT syndrome 1 (LQT1). Identifiers: Orphanet 101016, Orphanet 768, MedGen C4551647, MONDO:0100316, OMIM 192500, MONDO:0008646.
Long QT syndrome (LQTS). Identifiers: MedGen C0023976, MeSH D008133, MONDO:0002442. Disease mechanism: loss of function. Inheritance: Various modes of inheritance.
KCNQ1-related disorder. Also called: KCNQ1-related condition; KCNQ1-related disorders. Identifiers: MedGen CN239322.

Submissions (6):

GeneDx
Classification: Likely pathogenic. Last evaluated: 2025-07-30. Review status: criteria provided, single submitter. Criteria: GeneDx Variant Classification Process June 2021. Collection method: clinical testing. Allele origin: germline. Affected: yes.
Comment: Identified in an individual referred for LQTS testing in published literature (PMID: 19716085); Frameshift variant predicted to result in protein truncation or nonsense mediated decay in a gene for which loss of function is a known mechanism of disease; Not observed at significant frequency in large population cohorts (gnomAD); This variant is associated with the following publications: (PMID: 19716085, 33087929, 34319147, 31696929)

Labcorp Genetics (formerly Invitae), Labcorp
Classification: Pathogenic for Long QT syndrome. Last evaluated: 2025-06-10. Review status: criteria provided, single submitter. Criteria: Invitae Variant Classification Sherloc (09022015). Collection method: clinical testing. Allele origin: germline.
Comment: This sequence change creates a premature translational stop signal (p.Leu175Argfs*106) in the KCNQ1 gene. It is expected to result in an absent or disrupted protein product. Loss-of-function variants in KCNQ1 are known to be pathogenic (PMID: 9323054, 19862833). This variant is not present in population databases (gnomAD no frequency). This premature translational stop signal has been observed in individual(s) with long QT syndrome (PMID: 19716085). ClinVar contains an entry for this variant (Variation ID: 519537). For these reasons, this variant has been classified as Pathogenic.

Ambry Genetics
Classification: Pathogenic for Cardiovascular phenotype. Last evaluated: 2025-03-07. Review status: criteria provided, single submitter. Criteria: Ambry Variant Classification Scheme 2023. Collection method: clinical testing. Allele origin: germline.
Comment: The c.524_534del11 pathogenic mutation, located in coding exon 3 of the KCNQ1 gene, results from a deletion of 11 nucleotides at nucleotide positions 524 to 534, causing a translational frameshift with a predicted alternate stop codon (p.L175Rfs*106). This variant (also referred to as R174fs+105X) was reported in individual(s) with features consistent with long QT syndrome (Kapplinger JD et al. Heart Rhythm, 2009 Sep;6:1297-303). This variant is considered to be rare based on population cohorts in the Genome Aggregation Database (gnomAD). This alteration is expected to result in loss of function by premature protein truncation or nonsense-mediated mRNA decay. As such, this alteration is interpreted as a disease-causing mutation.

Blueprint Genetics
Classification: Pathogenic for KCNQ1-related disorders. Last evaluated: 2024-09-13. Review status: criteria provided, single submitter. Criteria: ACMG Guidelines, 2015. Collection method: clinical testing. Allele origin: germline. Affected: yes. Observed: 5 variant alleles.

All of Us Research Program, National Institutes of Health
Classification: Pathogenic for Long QT syndrome. Last evaluated: 2024-03-14. Review status: criteria provided, single submitter. Criteria: ACMG Guidelines, 2015. Collection method: clinical testing. Allele origin: germline. Inheritance: Autosomal dominant inheritance. Observed: 1 variant allele, 1 heterozygote.
Comment: This variant deletes 11 nucleotides in exon 3 of the cytoplasmic linker domain of the KCNQ1 gene, creating a frameshift and premature translation stop signal. This variant is expected to result in an absent or non-functional protein product. This variant has been reported in an individual suspected of having long QT syndrome (PMID: 19716085) and in another individual suspected of having inherited arrhythmia (PMID: 31696929). This variant has not been identified in the general population by the Genome Aggregation Database (gnomAD). Loss of KCNQ1 function is a known mechanism of disease. Based on the available evidence, this variant is classified as Pathogenic.

This study involves interpretation of variants in research participants for the purpose of population health screening. Participant phenotype was not available at the time of variant classification. Additional details can be found in publication PMID: 35346344, PMCID: PMC8962531

Juno Genomics, Hangzhou Juno Genomics, Inc
Classification: Likely pathogenic for Long QT syndrome 1. Review status: criteria provided, single submitter. Criteria: ACMG Guidelines, 2015. Collection method: clinical testing. Allele origin: germline.
Comment: Absent from controls (or at extremely low frequency if recessive) in Genome Aggregation Database.;Null variant in a gene where loss of function (LOF) is a known mechanism of disease.

Literature cited by the submitters: PubMed 9323054 (cited by Labcorp Genetics (formerly Invitae), Labcorp); PubMed 19862833 (cited by Labcorp Genetics (formerly Invitae), Labcorp); PubMed 19716085 (cited by 3 submitters); PubMed 31696929 (cited by All of Us Research Program, National Institutes of Health).

NM_000218.3(KCNQ1):c.524_534del (p.Leu175fs)

Gene: KCNQ1 (potassium voltage-gated channel subfamily Q member 1; plus strand). Cytogenetic location: 11p15.5.
Variant type: Deletion.
Coding change: c.524_534del on transcript NM_000218.3 (MANE Select); coding-DNA positions 524 to 534, 11 bases deleted (TCTGGTCCGCC).
Protein change: p.Leu175fs; shifts the reading frame from leucine 175.
Molecular consequence: frameshift variant.
Genome position (GRCh38, 1-based): chr11:2,570,674-2,570,684, TCTGGTCCGCC deleted; deleting any 11 consecutive bases within chr11:2,570,665-2,570,684 gives the same sequence; the c. name uses the placement nearest the transcript's 3' end. VCF-style (leftmost placement, unchanged base first): chr11-2570664-GTGGTCCGCCTC-G. GRCh37 (hg19) VCF-style: chr11-2591894-GTGGTCCGCCTC-G.
Other names: c.254_264delTCTGGTCCGCC, p.Leu85Argfs (NM_001406837.1); c.143_153delTCTGGTCCGCC, p.Leu48Argfs (NM_181798.2); c.524_534del11 (NM_000218.2); c.524_534delTCTGGTCCGCC, p.Leu175Argfs (NM_000218.2, NM_001406836.1); short protein forms L48fs, L175fs.
Identifiers: ClinVar variation 519537 (VCV000519537.27), dbSNP rs763462603, ClinGen allele CA5822077.